The following is an entry in ClinVar:

NM_001371986.1(UNC80):c.3042-1G>T

Gene: UNC80 (unc-80 subunit of NALCN channel complex; plus strand). Cytogenetic location: 2q34.
Variant type: single nucleotide variant.
Coding change: c.3042-1G>T on transcript NM_001371986.1 (MANE Select); the canonical splice acceptor site of the intron before coding-DNA position 3042, G replaced by T.
Molecular consequence: splice acceptor variant.
Genome position (GRCh38, 1-based): chr2:209,839,221, G>T. VCF-style: chr2-209839221-G-T. GRCh37 (hg19) VCF-style: chr2-210703945-G-T.
Other names: c.3042-1G>T (NM_032504.2); c.3027-1G>T (NM_182587.4).
Identifiers: ClinVar variation 1028452 (VCV001028452.1), dbSNP rs2081563738, ClinGen allele CA350412037.

ClinVar aggregate classification (germline): Pathogenic (1 of 4 stars; one submission).

Conditions:
Hypotonia, infantile, with psychomotor retardation and characteristic facies 2 (IHPRF2). Also called: UNC80 Deficiency. Identifiers: Orphanet 371364, Orphanet 700333, MedGen C4225203, MONDO:0014777, OMIM 616801.

Submission:

Baylor Genetics
Classification: Pathogenic for Hypotonia, infantile, with psychomotor retardation and characteristic facies 2. Last evaluated: 2019-12-28. Review status: criteria provided, single submitter. Criteria: ACMG Guidelines, 2015. Collection method: clinical testing. Allele origin: unknown. Affected: yes.
Comment: This variant was determined to be pathogenic according to ACMG Guidelines, 2015 [PMID:25741868].